The following is an entry in ClinVar:

NM_001365951.3(KIF1B):c.4046A>G (p.Asn1349Ser)

Gene: KIF1B (kinesin family member 1B; plus strand). Cytogenetic location: 1p36.22.
Variant type: single nucleotide variant.
Coding change: c.4046A>G on transcript NM_001365951.3 (MANE Select); coding-DNA position 4046, A replaced by G.
Protein change: p.Asn1349Ser; replaces asparagine 1349 with serine.
Molecular consequence: missense variant.
Genome position (GRCh38, 1-based): chr1:10,352,727, A>G. VCF-style: chr1-10352727-A-G. GRCh37 (hg19) VCF-style: chr1-10412785-A-G.
Other names: c.4046A>G, p.Asn1349Ser (NM_001365952.1); c.3908A>G, p.Asn1303Ser (NM_015074.3); short protein forms N1349S, N1303S.
Identifiers: ClinVar variation 2563647 (VCV002563647.2), dbSNP rs1462863753, ClinGen allele CA338344517.
Genomic context (GRCh38, chr1:10,352,727, plus strand): 5'-CAGTTGATGCCATCCTCTCCCTAAATATTATTTCTGCCAAGTACCTGAAGTCTTCCCACA[A>G]CTCTAGCAGGTGGGACACCCAGAGCAGTGTGAAGAAGTCCACACTTGCAGGCGTTAATTG-3'
Protein context (NP_001352880.1, residues 1339-1359): ISAKYLKSSH[Asn1349Ser]SSRTFYRFEA

ClinVar aggregate classification (germline): Uncertain significance (1 of 4 stars; one submission).

gnomAD v4.1: 2 of 1,611,604 alleles (0.00012%); highest among the groups gnomAD compares: African/African-American, 0.0013%; no homozygotes.

Submission:

Ambry Genetics
Classification: Uncertain significance. Last evaluated: 2023-05-26. Review status: criteria provided, single submitter. Criteria: Ambry Variant Classification Scheme 2023. Collection method: clinical testing. Allele origin: germline.
Comment: The p.N1303S variant (also known as c.3908A>G), located in coding exon 35 of the KIF1B gene, results from an A to G substitution at nucleotide position 3908. The asparagine at codon 1303 is replaced by serine, an amino acid with highly similar properties. This amino acid position is conserved. In addition, this alteration is predicted to be tolerated by in silico analysis. Since supporting evidence is limited at this time, the clinical significance of this alteration remains unclear.